The following is an entry in ClinVar:

NM_000234.3(LIG1):c.1346G>A (p.Arg449Gln)

Gene: LIG1 (DNA ligase 1; minus strand). Cytogenetic location: 19q13.33.
Variant type: single nucleotide variant.
Coding change: c.1346G>A on transcript NM_000234.3 (MANE Select); coding-DNA position 1346, G replaced by A.
Protein change: p.Arg449Gln; replaces arginine 449 with glutamine.
Molecular consequence: missense variant. On other transcripts: non-coding transcript variant (6).
Genome position (GRCh38, 1-based): chr19:48,136,111, C>T on the plus strand (G>A on the coding strand, the complement: LIG1 is on the minus strand). VCF-style: chr19-48136111-C-T. GRCh37 (hg19) VCF-style: chr19-48639368-C-T.
Other names: c.1253G>A, p.Arg418Gln (NM_001289063.2); c.1142G>A, p.Arg381Gln (NM_001289064.2); c.1343G>A, p.Arg448Gln (NM_001320970.2); c.1256G>A, p.Arg419Gln (NM_001320971.2); short protein forms R381Q, R449Q, R419Q, R418Q, R448Q.
Identifiers: ClinVar variation 1375758 (VCV001375758.7), dbSNP rs768214568, ClinGen allele CA9546841.

ClinVar aggregate classification (germline): Uncertain significance. Review status: criteria provided, multiple submitters, no conflicts (2 of 4 stars). 2 submissions from 2 submitters: Uncertain significance (2). Last evaluated 2022-04-25.

Allele frequency attached by ClinVar (database versions not stated): gnomAD exomes below 0.00001; TOPMed below 0.00001; gnomAD 0.00001; ExAC 0.00005.
gnomAD v4.1: 6 of 1,569,042 alleles (0.00038%); highest among the groups gnomAD compares: East Asian, 0.0047%; no homozygotes.

Submissions (2):

Labcorp Genetics (formerly Invitae), Labcorp
Classification: Uncertain significance. Last evaluated: 2022-04-25. Review status: criteria provided, single submitter. Criteria: Invitae Variant Classification Sherloc (09022015). Collection method: clinical testing. Allele origin: germline.
Comment: In summary, the available evidence is currently insufficient to determine the role of this variant in disease. Therefore, it has been classified as a Variant of Uncertain Significance. Algorithms developed to predict the effect of missense changes on protein structure and function are either unavailable or do not agree on the potential impact of this missense change (SIFT: "Deleterious"; PolyPhen-2: "Benign"; Align-GVGD: "Class C0"). This variant has not been reported in the literature in individuals affected with LIG1-related conditions. The frequency data for this variant in the population databases is considered unreliable, as metrics indicate poor data quality at this position in the gnomAD database. This sequence change replaces arginine, which is basic and polar, with glutamine, which is neutral and polar, at codon 449 of the LIG1 protein (p.Arg449Gln).

Blueprint Genetics
Classification: Uncertain significance. Last evaluated: 2020-12-04. Review status: criteria provided, single submitter. Criteria: ACMG Guidelines, 2015. Collection method: clinical testing. Allele origin: germline.